The following is an entry in ClinVar:

NM_007186.6(CEP250):c.5997_5999del (p.Thr2000del)

Gene: CEP250 (centrosomal protein 250; plus strand). Cytogenetic location: 20q11.22.
Variant type: Deletion.
Coding change: c.5997_5999del on transcript NM_007186.6 (MANE Select); coding-DNA positions 5997 to 5999, 3 bases deleted (AAC; older notation c.5997_5999delAAC).
Protein change: p.Thr2000del; deletes threonine 2000.
Molecular consequence: inframe deletion.
Genome position (GRCh38, 1-based): chr20:35,504,366-35,504,368, AAC deleted; deleting any 3 consecutive bases within chr20:35,504,365-35,504,368 gives the same sequence; the c. name uses the placement nearest the transcript's 3' end. VCF-style (leftmost placement, unchanged base first): chr20-35504364-GCAA-G. GRCh37 (hg19) VCF-style: chr20-34092192-GCAA-G.
Other names: c.4101_4103del, p.Thr1368del (NM_001318219.1); short protein forms T1368del, T2000del.
Identifiers: ClinVar variation 1995277 (VCV001995277.4), dbSNP rs2516280742, ClinGen allele CA2580098151.

ClinVar aggregate classification (germline): Uncertain significance (1 of 4 stars; one submission).

Submission:

Labcorp Genetics (formerly Invitae), Labcorp
Classification: Uncertain significance. Last evaluated: 2022-05-23. Review status: criteria provided, single submitter. Criteria: Invitae Variant Classification Sherloc (09022015). Collection method: clinical testing. Allele origin: germline.
Comment: This variant, c.5997_5999del, results in the deletion of 1 amino acid(s) of the CEP250 protein (p.Thr2000del), but otherwise preserves the integrity of the reading frame. This variant is not present in population databases (gnomAD no frequency). This variant has not been reported in the literature in individuals affected with CEP250-related conditions. Experimental studies and prediction algorithms are not available or were not evaluated, and the functional significance of this variant is currently unknown. In summary, the available evidence is currently insufficient to determine the role of this variant in disease. Therefore, it has been classified as a Variant of Uncertain Significance.